The following is an entry in ClinVar:

NM_005138.3(SCO2):c.341G>A (p.Arg114His)

Genes: NCAPH2 (non-SMC condensin II complex subunit H2; plus strand), SCO2 (synthesis of cytochrome C oxidase 2; minus strand). Cytogenetic location: 22q13.33.
Variant type: single nucleotide variant.
Coding change: c.341G>A on transcript NM_005138.3 (MANE Select); coding-DNA position 341, G replaced by A.
Protein change: p.Arg114His; replaces arginine 114 with histidine.
Molecular consequence: missense variant. On other transcripts: 3 prime UTR variant (2).
Genome position (GRCh38, 1-based): chr22:50,524,071, C>T on the plus strand (G>A on the coding strand, the complement: SCO2 is on the minus strand). VCF-style: chr22-50524071-C-T. GRCh37 (hg19) VCF-style: chr22-50962500-C-T.
Other names: c.*696C>T (NM_001185011.2, NM_152299.4); c.341G>A, p.Arg114His (NM_001169109.2, NM_001169110.1, NM_001169111.2); short protein forms R114H.
Identifiers: ClinVar variation 50905 (VCV000050905.36), dbSNP rs145100473, ClinGen allele CA143840.

ClinVar aggregate classification (germline): Conflicting classifications of pathogenicity. Review status: criteria provided, conflicting classifications (1 of 4 stars). 7 submissions from 6 submitters: Uncertain significance (3); Benign (1); Likely benign (2). 1 of the submissions does not count toward it. Last evaluated 2026-05-01.

Conditions:
Inborn genetic diseases. Identifiers: MedGen C0950123, MeSH D030342.
Myopia 6 (MYP6). Identifiers: MedGen C1837148, MONDO:0012154, OMIM 608908.
Cardioencephalomyopathy, fatal infantile, due to cytochrome c oxidase deficiency 1 (MC4DN2). Also called: CYTOCHROME c OXIDASE DEFICIENCY, FATAL INFANTILE, WITH CARDIOENCEPHALOMYOPATHY; MITOCHONDRIAL COMPLEX IV DEFICIENCY, NUCLEAR TYPE 2. Identifiers: Orphanet 1561, MedGen C5399977, MONDO:0011451, OMIM 604377.
Mitochondrial complex IV deficiency, nuclear type 1 (MC4DN1). Also called: COX DEFICIENCY; Mitochondrial complex IV deficiency; Complex 4 mitochondrial respiratory chain deficiency; Deficiency of mitochondrial respiratory chain complex4; Complex IV deficiency. Identifiers: MedGen C5435656, MONDO:0700250, OMIM 220110. Disease mechanism: loss of function.

Allele frequency attached by ClinVar (database versions not stated): ESP Exome Variant Server 0.00015; gnomAD exomes 0.00035 and 0.00083; gnomAD 0.00076; TOPMed 0.00090; 1000 Genomes Project 30x 0.00125; 1000 Genomes Project 0.00140; ExAC 0.00078.
gnomAD v4.1: 636 of 1,613,244 alleles (0.039%); highest among the groups gnomAD compares: Admixed American, 0.37%; 7 homozygotes.

Submissions (7):

CeGaT Center for Human Genetics Tuebingen
Classification: Likely benign. Last evaluated: 2026-05-01. Review status: criteria provided, single submitter. Criteria: CeGaT Center For Human Genetics Tuebingen Variant Classification Criteria Version 2. Collection method: clinical testing. Allele origin: germline. Affected: yes. Observed: 2 variant alleles.
Comment: SCO2: BS2

Labcorp Genetics (formerly Invitae), Labcorp
Classification: Benign. Last evaluated: 2026-02-04. Review status: criteria provided, single submitter. Criteria: Invitae Variant Classification Sherloc (09022015). Collection method: clinical testing. Allele origin: germline.

GeneDx
Classification: Uncertain significance. Last evaluated: 2025-08-27. Review status: criteria provided, single submitter. Criteria: GeneDx Variant Classification Process June 2021. Collection method: clinical testing. Allele origin: germline. Affected: yes.
Comment: Reported previously as a heterozygous variant in a patient with early-onset high myopia; however, the authors concluded that this variant was a risk factor and not the cause as both healthy parents were also heterozygous for the variant (PMID: 35457050); In silico analysis supports that this missense variant has a deleterious effect on protein structure/function; This variant is associated with the following publications: (PMID: 27581939, 25959673, 34426522, 23643385, 35457050, 28518168, 35328081, 32461654)

Ambry Genetics
Classification: Likely benign for Inborn genetic diseases. Last evaluated: 2022-08-22. Review status: criteria provided, single submitter. Criteria: Ambry Variant Classification Scheme 2023. Collection method: clinical testing. Allele origin: germline.

Illumina Laboratory Services, Illumina
Classification: Uncertain significance for Cardioencephalomyopathy, fatal infantile, due to cytochrome c oxidase deficiency 1. Last evaluated: 2017-04-28. Review status: criteria provided, single submitter. Criteria: ICSL Variant Classification Criteria 13 December 2019. Collection method: clinical testing. Allele origin: germline.
Comment: This variant was observed as part of a predisposition screen in an ostensibly healthy population. A literature search was performed for the gene, cDNA change, and amino acid change (where applicable). Publications were found based on this search. However, the evidence from the literature, in combination with allele frequency data from public databases where available, was not sufficient to rule this variant in or out of causing disease. Therefore, this variant is classified as a variant of unknown significance.

Illumina Laboratory Services, Illumina
Classification: Uncertain significance for Mitochondrial complex IV deficiency, nuclear type 1. Last evaluated: 2017-04-28. Review status: criteria provided, single submitter. Criteria: ICSL Variant Classification Criteria 13 December 2019. Collection method: clinical testing. Allele origin: germline.
Comment: the same text as in the submission from Illumina Laboratory Services, Illumina above.

OMIM
Classification: Pathogenic for MYOPIA 6. Last evaluated: 2013-05-02. Review status: no assertion criteria provided. Collection method: literature only. Allele origin: germline. Not counted in ClinVar's aggregate classification.

Literature cited by the submitters: PubMed 28518168 (cited by Ambry Genetics); PubMed 32461654 (cited by Ambry Genetics); PubMed 23643385 (cited by Illumina Laboratory Services, Illumina and OMIM); PubMed 25959673 (cited by Illumina Laboratory Services, Illumina).